The following is an entry in ClinVar:

ClinVar aggregate classification (germline): Pathogenic (1 of 4 stars; one submission).

Conditions:
Developmental and epileptic encephalopathy, 2 (DEE2). Also called: INFANTILE SPASM SYNDROME, X-LINKED 2; CDKL5 deficiency disorder. Identifiers: Orphanet 1934, Orphanet 3451, Orphanet 505652, MedGen C4750718, MONDO:0010396, OMIM 300672.
Angelman syndrome-like. Identifiers: MedGen CN128785.

Submission:

Labcorp Genetics (formerly Invitae), Labcorp
Classification: Pathogenic for Developmental and epileptic encephalopathy, 2; Angelman syndrome-like. Last evaluated: 2018-09-15. Review status: criteria provided, single submitter. Criteria: Invitae Variant Classification Sherloc (09022015). Collection method: clinical testing. Allele origin: germline.
Comment: For these reasons, this variant has been classified as Pathogenic. Loss-of-function variants in CDKL5 are known to be pathogenic (PMID: 22872100). This variant has not been reported in the literature in individuals with CDKL5-related disease. This variant is not present in population databases (ExAC no frequency). This sequence change creates a premature translational stop signal (p.Glu416*) in the CDKL5 gene. It is expected to result in an absent or disrupted protein product.

Literature cited by the submitters: PubMed 22872100.

NM_001323289.2(CDKL5):c.1246G>T (p.Glu416Ter)

Gene: CDKL5 (cyclin dependent kinase like 5; plus strand). Cytogenetic location: Xp22.13.
Variant type: single nucleotide variant.
Coding change: c.1246G>T on transcript NM_001323289.2 (MANE Select); coding-DNA position 1246, G replaced by T.
Protein change: p.Glu416Ter; replaces glutamic acid 416 with a stop codon.
Molecular consequence: nonsense.
Genome position (GRCh38, 1-based): chrX:18,604,170, G>T. VCF-style: chrX-18604170-G-T. GRCh37 (hg19) VCF-style: chrX-18622290-G-T.
Other names: c.1246G>T, p.Glu416Ter (NM_001037343.2, NM_003159.3); short protein forms E416*.
Identifiers: ClinVar variation 464808 (VCV000464808.8), dbSNP rs1555951991, ClinGen allele CA412360098.